The following is an entry in ClinVar:

ClinVar aggregate classification (germline): Uncertain significance. Review status: criteria provided, multiple submitters, no conflicts (2 of 4 stars). 2 submissions from 2 submitters: Uncertain significance (2). Last evaluated 2026-05-13.

Conditions:
Familial adenomatous polyposis 1 (FAP1). Also called: FAMILIAL ADENOMATOUS POLYPOSIS 1, ATTENUATED; POLYPOSIS, ADENOMATOUS INTESTINAL. Identifiers: MedGen C2713442, MONDO:0021056, OMIM 175100. Disease mechanism: loss of function.
Hereditary cancer-predisposing syndrome. Also called: Neoplastic Syndromes, Hereditary; Tumor predisposition; Hereditary Cancer Syndrome; Hereditary neoplastic syndrome. Identifiers: Orphanet 140162, MedGen C0027672, MeSH D009386, MONDO:0015356.

gnomAD v4.1: 1 of 1,614,148 alleles (0.000062%); highest among the groups gnomAD compares: Admixed American, 0.0017%; no homozygotes.

Submissions (2):

Ambry Genetics
Classification: Uncertain significance for Hereditary cancer-predisposing syndrome. Last evaluated: 2026-05-13. Review status: criteria provided, single submitter. Criteria: Ambry Variant Classification Scheme 2023. Collection method: clinical testing. Allele origin: germline.
Comment: The p.E1034K variant (also known as c.3100G>A), located in coding exon 15 of the APC gene, results from a G to A substitution at nucleotide position 3100. The glutamic acid at codon 1034 is replaced by lysine, an amino acid with similar properties. This amino acid position is highly conserved in available vertebrate species. In addition, in silico predictors for this gene do not accurately predict pathogenicity. Based on the available evidence, the clinical significance of this variant remains unclear.

Labcorp Genetics (formerly Invitae), Labcorp
Classification: Uncertain significance for Familial adenomatous polyposis 1. Last evaluated: 2025-10-25. Review status: criteria provided, single submitter. Criteria: Invitae Variant Classification Sherloc (09022015). Collection method: clinical testing. Allele origin: germline.
Comment: This sequence change replaces glutamic acid, which is acidic and polar, with lysine, which is basic and polar, at codon 1034 of the APC protein (p.Glu1034Lys). This variant is not present in population databases (gnomAD no frequency). This variant has not been reported in the literature in individuals affected with APC-related conditions. Invitae Evidence Modeling of protein sequence and biophysical properties (such as structural, functional, and spatial information, amino acid conservation, physicochemical variation, residue mobility, and thermodynamic stability) indicates that this missense variant is not expected to disrupt APC protein function with a negative predictive value of 95%. In summary, the available evidence is currently insufficient to determine the role of this variant in disease. Therefore, it has been classified as a Variant of Uncertain Significance.

NM_000038.6(APC):c.3100G>A (p.Glu1034Lys)

Gene: APC (APC regulator of Wnt signaling pathway; plus strand). Cytogenetic location: 5q22.2.
Variant type: single nucleotide variant.
Coding change: c.3100G>A on transcript NM_000038.6 (MANE Select); coding-DNA position 3100, G replaced by A.
Protein change: p.Glu1034Lys; replaces glutamic acid 1034 with lysine.
Molecular consequence: missense variant. On other transcripts: non-coding transcript variant (2).
Genome position (GRCh38, 1-based): chr5:112,838,694, G>A. VCF-style: chr5-112838694-G-A. GRCh37 (hg19) VCF-style: chr5-112174391-G-A.
Other names: c.3100G>A (NM_000038.5); c.3025G>A, p.Glu1009Lys (NM_001354898.2); c.3016G>A, p.Glu1006Lys (NM_001354899.2); c.2977G>A, p.Glu993Lys (NM_001354900.2); c.2923G>A, p.Glu975Lys (NM_001354901.2, NM_001407453.1); c.2827G>A, p.Glu943Lys (NM_001354902.2); c.2797G>A, p.Glu933Lys (NM_001354903.2, NM_001407458.1, NM_001407459.1 and 1 more transcripts); c.2722G>A, p.Glu908Lys (NM_001354904.2); and 12 more; short protein forms E1062K, E650K, E975K, E1016K, E1034K, E1044K, E874K, E905K.
Identifiers: ClinVar variation 4707660 (VCV004707660.2).